The following is an entry in ClinVar:

ClinVar aggregate classification (germline): Uncertain significance (1 of 4 stars; one submission).

Allele frequency attached by ClinVar (database versions not stated): TOPMed below 0.00001.

Submission:

GeneDx
Classification: Uncertain significance. Last evaluated: 2017-08-29. Review status: criteria provided, single submitter. Criteria: GeneDx Variant Classification (06012015). Collection method: clinical testing. Allele origin: germline. Affected: yes.
Comment: The I1131L variant has not been published as a pathogenic variant, nor has it been reported as a benign variant to our knowledge. The I1131L variant is not observed in large population cohorts (Lek et al., 2016). The I1131L variant is a conservative amino acid substitution, which is not likely to impact secondary protein structure as these residues share similar properties. This substitution occurs at a position that is conserved across species. In silico analysis is inconsistent in its predictions as to whether or not the variant is damaging to the protein structure/function. Therefore, based on the currently available information, it is unclear whether this variant is a pathogenic variant or a rare benign variant.

NM_002693.3(POLG):c.3391A>C (p.Ile1131Leu)

Genes: POLG (DNA polymerase gamma, catalytic subunit; minus strand), POLGARF (POLG alternative reading frame; minus strand). Cytogenetic location: 15q26.1.
Variant type: single nucleotide variant.
Coding change: c.3391A>C on transcript NM_002693.3 (MANE Select); coding-DNA position 3391, A replaced by C.
Protein change: p.Ile1131Leu; replaces isoleucine 1131 with leucine.
Molecular consequence: missense variant.
Genome position (GRCh38, 1-based): chr15:89,318,632, T>G on the plus strand (A>C on the coding strand, the complement: POLG is on the minus strand). VCF-style: chr15-89318632-T-G. GRCh37 (hg19) VCF-style: chr15-89861863-T-G.
Other names: c.3391A>C, p.Ile1131Leu (NM_001126131.2); short protein forms I1131L.
Identifiers: ClinVar variation 449715 (VCV000449715.2), dbSNP rs1176145260, ClinGen allele CA393749831.